The following is an entry in ClinVar:

ClinVar aggregate classification (germline): Uncertain significance (1 of 4 stars; one submission).

Conditions:
Cardiovascular phenotype. Identifiers: MedGen CN230736.

Submission:

Ambry Genetics
Classification: Uncertain significance for Cardiovascular phenotype. Last evaluated: 2023-02-03. Review status: criteria provided, single submitter. Criteria: Ambry Variant Classification Scheme 2023. Collection method: clinical testing. Allele origin: germline.
Comment: The p.K328T variant (also known as c.983A>C), located in coding exon 8 of the DSP gene, results from an A to C substitution at nucleotide position 983. The lysine at codon 328 is replaced by threonine, an amino acid with similar properties. This amino acid position is conserved. In addition, the in silico prediction for this alteration is inconclusive. Since supporting evidence is limited at this time, the clinical significance of this alteration remains unclear.

NM_004415.4(DSP):c.983A>C (p.Lys328Thr)

Gene: DSP (desmoplakin; plus strand). Cytogenetic location: 6p24.3.
Variant type: single nucleotide variant.
Coding change: c.983A>C on transcript NM_004415.4 (MANE Select); coding-DNA position 983, A replaced by C.
Protein change: p.Lys328Thr; replaces lysine 328 with threonine.
Molecular consequence: missense variant.
Genome position (GRCh38, 1-based): chr6:7,566,420, A>C. VCF-style: chr6-7566420-A-C. GRCh37 (hg19) VCF-style: chr6-7566653-A-C.
Other names: c.983A>C, p.Lys328Thr (NM_001008844.3, NM_001319034.2, NM_001406591.1); short protein forms K328T.
Identifiers: ClinVar variation 2453259 (VCV002453259.2), dbSNP rs2533876322, ClinGen allele CA362674840.
Genomic context (GRCh38, chr6:7,566,420, plus strand): 5'-TATTTCTTCATTCACAGATACGCATGAGTCAACTGGAAGTTAAAGAAAAAGAGCTCAATA[A>C]GCTGAAACAAGAAAGTGACCAACTTGTCCTCAATCAGCATCCAGCTTCAGACAAAATTGA-3'
Protein context (NP_004406.2, residues 318-338): QLEVKEKELN[Lys328Thr]LKQESDQLVL